The following is an entry in ClinVar:

NM_000388.4(CASR):c.2333G>A (p.Gly778Asp)

Gene: CASR (calcium sensing receptor; plus strand). Cytogenetic location: 3q21.1.
Variant type: single nucleotide variant.
Coding change: c.2333G>A on transcript NM_000388.4 (MANE Select); coding-DNA position 2333, G replaced by A.
Protein change: p.Gly778Asp; replaces glycine 778 with aspartic acid.
Molecular consequence: missense variant.
Genome position (GRCh38, 1-based): chr3:122,284,287, G>A. VCF-style: chr3-122284287-G-A. GRCh37 (hg19) VCF-style: chr3-122003134-G-A.
Other names: c.2363G>A, p.Gly788Asp (NM_001178065.2); short protein forms G778D, G788D.
Identifiers: ClinVar variation 1023754 (VCV001023754.9), dbSNP rs2074936560, ClinGen allele CA354159552.

ClinVar aggregate classification (germline): Uncertain significance (1 of 4 stars; one submission).

Conditions:
Autosomal dominant hypocalcemia 1 (HYPOC1). Also called: HYPOCALCEMIA, FAMILIAL. Identifiers: MedGen C3715128, MONDO:0011013, OMIM 601198.
Familial hypocalciuric hypercalcemia (FHH). Also called: Familial benign hypercalcemia. Identifiers: Orphanet 405, MedGen C1809471, MONDO:0018458.

Submission:

Labcorp Genetics (formerly Invitae), Labcorp
Classification: Uncertain significance for Familial hypocalciuric hypercalcemia; Autosomal dominant hypocalcemia 1. Last evaluated: 2020-07-22. Review status: criteria provided, single submitter. Criteria: Invitae Variant Classification Sherloc (09022015). Collection method: clinical testing. Allele origin: germline.
Comment: This sequence change replaces glycine with aspartic acid at codon 778 of the CASR protein (p.Gly778Asp). The glycine residue is highly conserved and there is a moderate physicochemical difference between glycine and aspartic acid. This variant is not present in population databases (ExAC no frequency). This variant has been observed in individual(s) with familial hypocalciuric hypercalcemia (PMID: 16649980, 31672324). This variant has been reported to affect CASR protein function (PMID: 16649980, 23372019, 19389809, 22798347). In summary, the available evidence is currently insufficient to determine the role of this variant in disease. Therefore, it has been classified as a Variant of Uncertain Significance.

Literature cited by the submitters: PubMed 16649980; PubMed 31672324; PubMed 23372019; PubMed 19389809; PubMed 22798347.